The following is an entry in ClinVar:

NM_002180.3(IGHMBP2):c.913-313G>A

Gene: IGHMBP2 (immunoglobulin mu DNA binding protein 2; plus strand). Cytogenetic location: 11q13.3.
Variant type: single nucleotide variant.
Coding change: c.913-313G>A on transcript NM_002180.3 (MANE Select); 313 bases into the intron before coding-DNA position 913, G replaced by A.
Molecular consequence: intron variant.
Genome position (GRCh38, 1-based): chr11:68,917,423, G>A. VCF-style: chr11-68917423-G-A. GRCh37 (hg19) VCF-style: chr11-68684891-G-A.
Identifiers: ClinVar variation 671425 (VCV000671425.1), dbSNP rs3829243, ClinGen allele CA13420581.

ClinVar aggregate classification (germline): Benign (1 of 4 stars; one submission).

Allele frequency attached by ClinVar (database versions not stated): 1000 Genomes Project 0.13339; 1000 Genomes Project 30x 0.13632; gnomAD 0.19991 and 0.20672; TOPMed 0.21085.
gnomAD v4.1: 30,621 of 152,128 alleles (20%); highest among the groups gnomAD compares: Non-Finnish European, 25%; 3,348 homozygotes.

Submission:

GeneDx
Classification: Benign. Last evaluated: 2018-06-14. Review status: criteria provided, single submitter. Criteria: GeneDx Variant Classification (06012015). Collection method: clinical testing. Allele origin: germline. Affected: yes.
Comment: This variant is considered likely benign or benign based on one or more of the following criteria: it is a conservative change, it occurs at a poorly conserved position in the protein, it is predicted to be benign by multiple in silico algorithms, and/or has population frequency not consistent with disease.